The following is an entry in ClinVar:

ClinVar aggregate classification (germline): Pathogenic. Review status: criteria provided, multiple submitters, no conflicts (2 of 4 stars). 4 submissions from 4 submitters: Pathogenic (4). Last evaluated 2026-02-05.
ClinVar aggregate classification (oncogenicity): Likely oncogenic (1 of 4 stars; one submission).

Conditions:
Hereditary cancer-predisposing syndrome. Also called: Hereditary neoplastic syndrome; Tumor predisposition; Neoplastic Syndromes, Hereditary; Hereditary Cancer Syndrome. Identifiers: Orphanet 140162, MedGen C0027672, MeSH D009386, MONDO:0015356.
Retinoblastoma (RB1). Also called: RETINOBLASTOMA, SOMATIC. Identifiers: Orphanet 790, MedGen C0035335, MeSH D012175, MONDO:0008380, OMIM 180200, HP:0009919. Disease mechanism: loss of function. Inheritance: Both sporadic and heritable forms are tested..
Neoplasm. Also called: Neoplasms; Neoplasm (disease); tumor. Identifiers: MedGen C0027651, MeSH D009369, MONDO:0005070, HP:0002664.

Submissions (5):

Center for Genomic Medicine, Rigshospitalet, Copenhagen University Hospital
Classification: Likely oncogenic for Neoplasm. Last evaluated: 2026-10-16. Review status: criteria provided, single submitter. Criteria: ClinGen/CGC/VICC Guidelines for Oncogenicity, 2022. Collection method: clinical testing. Allele origin: somatic. Affected: yes.

Ambry Genetics
Classification: Pathogenic for Hereditary cancer-predisposing syndrome. Last evaluated: 2026-02-05. Review status: criteria provided, single submitter. Criteria: Ambry Variant Classification Scheme 2023. Collection method: clinical testing. Allele origin: germline.
Comment: The c.1959dupA pathogenic mutation, located in coding exon 19 of the RB1 gene, results from a duplication of A at nucleotide position 1959, causing a translational frameshift with a predicted alternate stop codon (p.V654Sfs*14). This variant was reported in individual(s) with features consistent with RB1-related retinoblastoma; in at least one individual, it was determined to be de novo (Rodr&iacute;guez-Mart&iacute;n C et al. J Hum Genet, 2020 Jan;65:165-174; Hoang CQ et al. Mol Clin Oncol, 2021 Sep;15:182; Li L et al. Int Ophthalmol, 2022 Nov;42:3421-3430; Li W et al. Invest Ophthalmol Vis Sci, 2023 Feb;64:5). Note, this variant is also referred to as c.1953_1954insA and c.1959_1960insA in the literature. This variant is considered to be rare based on population cohorts in the Genome Aggregation Database (gnomAD). This alteration is expected to result in loss of function by premature protein truncation or nonsense-mediated mRNA decay. As such, this alteration is interpreted as a disease-causing mutation.

Genetic Diagnostic Laboratory, University of Pennsylvania School of Medicine
Classification: Pathogenic for Retinoblastoma. Last evaluated: 2024-05-20. Review status: criteria provided, single submitter. Criteria: ACMG Guidelines, 2015. Collection method: clinical testing. Allele origin: germline. Affected: yes. Observed: 1 variant allele.
Comment: Case and Pedigree Information: BILATERAL CASES:1, UNILATERAL CASES:0, TOTAL CASES:1, PEDIGREES:1. ACMG Codes Applied:PVS1, PM2

Clinical Genetics Laboratory, Skane University Hospital Lund
Classification: Pathogenic. Last evaluated: 2022-05-27. Review status: criteria provided, single submitter. Criteria: ACMG Guidelines, 2015. Collection method: clinical testing. Allele origin: germline. Affected: yes.

Labcorp Genetics (formerly Invitae), Labcorp
Classification: Pathogenic for Retinoblastoma. Last evaluated: 2021-09-01. Review status: criteria provided, single submitter. Criteria: Invitae Variant Classification Sherloc (09022015). Collection method: clinical testing. Allele origin: germline.

Literature cited by the submitters: PubMed 31772335 (cited by Ambry Genetics); PubMed 34277001 (cited by Ambry Genetics); PubMed 35960463 (cited by Ambry Genetics); PubMed 36729443 (cited by Ambry Genetics).

NM_000321.3(RB1):c.1959dup (p.Val654fs)

Gene: RB1 (RB transcriptional corepressor 1; plus strand). Cytogenetic location: 13q14.2.
Variant type: Duplication.
Coding change: c.1959dup on transcript NM_000321.3 (MANE Select); coding-DNA position 1959, one base duplicated (A; older notation c.1959dupA).
Protein change: p.Val654fs; shifts the reading frame from valine 654.
Molecular consequence: frameshift variant.
Genome position (GRCh38, 1-based): chr13:48,456,348, A duplicated; the last of 6 consecutive A bases (chr13:48,456,343-48,456,348); duplicating any one gives the same sequence. VCF-style (leftmost placement, unchanged base first): chr13-48456342-T-TA. GRCh37 (hg19) VCF-style: chr13-49030478-T-TA.
Other names: c.1959dupA (NM_000321.2, NM_000321.3); c.1959dup (NM_000321.2); short protein forms V654fs.
Identifiers: ClinVar variation 575455 (VCV000575455.8), dbSNP rs1566234123, ClinGen allele CA645571608.